The following is an entry in ClinVar:

ClinVar aggregate classification (germline): Pathogenic (1 of 4 stars; one submission).

Conditions:
Cerebral cavernous malformation (CCM). Also called: CAVERNOUS ANGIOMA, FAMILIAL; CAVERNOUS ANGIOMATOUS MALFORMATIONS; CEREBRAL CAPILLARY MALFORMATIONS; Cerebral cavernous malformations; Cerebral cavernous hemangioma (type); Cavernous Hemangioma of Brain. Identifiers: Orphanet 221061, MedGen C2919945, MONDO:0000820, OMIM 116860, HP:0033522.

gnomAD v4.1: 1 of 1,385,154 alleles (0.000072%); highest among the groups gnomAD compares: Non-Finnish European, 0.0001%; no homozygotes.

Submission:

Labcorp Genetics (formerly Invitae), Labcorp
Classification: Pathogenic for Cerebral cavernous malformation. Last evaluated: 2024-06-11. Review status: criteria provided, single submitter. Criteria: Invitae Variant Classification Sherloc (09022015). Collection method: clinical testing. Allele origin: germline.
Comment: This sequence change affects an acceptor splice site in intron 18 of the KRIT1 gene. It is expected to disrupt RNA splicing. Variants that disrupt the donor or acceptor splice site typically lead to a loss of protein function (PMID: 16199547), and loss-of-function variants in KRIT1 are known to be pathogenic (PMID: 10508515, 11222804, 12404106, 24689081). This variant is not present in population databases (gnomAD no frequency). Disruption of this splice site has been observed in individual(s) with cerebral cavernous malformations (Invitae). Algorithms developed to predict the effect of sequence changes on RNA splicing suggest that this variant may disrupt the consensus splice site. For these reasons, this variant has been classified as Pathogenic.

Literature cited by the submitters: PubMed 16199547; PubMed 10508515; PubMed 11222804; PubMed 12404106; PubMed 24689081.

NM_194454.3(KRIT1):c.2026-1G>C

Gene: KRIT1 (KRIT1 ankyrin repeat containing; minus strand). Cytogenetic location: 7q21.2.
Variant type: single nucleotide variant.
Coding change: c.2026-1G>C on transcript NM_194454.3 (MANE Select); the canonical splice acceptor site of the intron before coding-DNA position 2026, G replaced by C.
Molecular consequence: splice acceptor variant.
Genome position (GRCh38, 1-based): chr7:92,201,424, C>G on the plus strand (G>C on the coding strand, the complement: KRIT1 is on the minus strand). VCF-style: chr7-92201424-C-G. GRCh37 (hg19) VCF-style: chr7-91830738-C-G.
Other names: c.2026-1G>C (NM_001350672.1, NM_001350676.1, NM_001350673.1 and 26 more transcripts); c.1882-1G>C (NM_001350669.1, NM_001013406.2, NM_001350670.1); c.1312-1G>C (NM_001350671.1).
Identifiers: ClinVar variation 3654424 (VCV003654424.2).
Genomic context (GRCh38, chr7:92,201,424, plus strand): 5'-AGTATCAGTATCTCCCAATTGCCACATAAAACAACCATACTTAAGACTGATGAGTAAAGC[C>G]TGCAACATAATTGGAAACAACTATATTGAAATACATATTAAAAACTTCACCTATTTTCTC-3'